The following is an entry in ClinVar:

ClinVar aggregate classification (germline): Uncertain significance (1 of 4 stars; one submission).

Conditions:
Congenital hypothyroidism. Identifiers: Orphanet 442, MedGen C0010308, MONDO:0018612, HP:0000851.

gnomAD v4.1: 8 of 1,614,162 alleles (0.0005%); highest among the groups gnomAD compares: Non-Finnish European, 0.00068%; no homozygotes.

Submission:

Cambridge Genomics Laboratory, East Genomic Laboratory Hub, NHS Genomic Medicine Service
Classification: Uncertain significance for Congenital hypothyroidism. Last evaluated: 2025-11-13. Review status: criteria provided, single submitter. Criteria: ACGS Best Practice Guidelines for Variant Classification in Rare Disease 2020. Collection method: clinical testing. Allele origin: germline. Affected: yes.
Comment: PM2,PP3

NM_000369.5(TSHR):c.2062G>A (p.Asp688Asn)

Genes: TSHR (thyroid stimulating hormone receptor; plus strand), TSHR-AS1 (TSHR antisense RNA 1; minus strand). Cytogenetic location: 14q31.1.
Variant type: single nucleotide variant.
Coding change: c.2062G>A on transcript NM_000369.5 (MANE Select); coding-DNA position 2062, G replaced by A.
Protein change: p.Asp688Asn; replaces aspartic acid 688 with asparagine.
Molecular consequence: missense variant.
Genome position (GRCh38, 1-based): chr14:81,144,120, G>A. VCF-style: chr14-81144120-G-A. GRCh37 (hg19) VCF-style: chr14-81610464-G-A.
Other names: short protein forms D688N.
Identifiers: ClinVar variation 4540610 (VCV004540610.1).
Genomic context (GRCh38, chr14:81,144,120, plus strand): 5'-CCACTTAACTCCTGTGCCAATCCATTCCTCTATGCTATTTTCACCAAGGCCTTCCAGAGG[G>A]ATGTGTTCATCCTACTCAGCAAGTTTGGCATCTGTAAACGCCAGGCTCAGGCATACCGGG-3'
Protein context (NP_000360.2, residues 678-698): YAIFTKAFQR[Asp688Asn]VFILLSKFGI